The following is an entry in ClinVar:

ClinVar aggregate classification (germline): Uncertain significance (1 of 4 stars; one submission).

Conditions:
Developmental and epileptic encephalopathy, 2 (DEE2). Also called: CDKL5 deficiency disorder; INFANTILE SPASM SYNDROME, X-LINKED 2. Identifiers: Orphanet 1934, Orphanet 3451, Orphanet 505652, MedGen C4750718, MONDO:0010396, OMIM 300672.
Angelman syndrome-like. Identifiers: MedGen CN128785.

Submission:

Labcorp Genetics (formerly Invitae), Labcorp
Classification: Uncertain significance for Developmental and epileptic encephalopathy, 2; Angelman syndrome-like. Last evaluated: 2019-09-27. Review status: criteria provided, single submitter. Criteria: Invitae Variant Classification Sherloc (09022015). Collection method: clinical testing. Allele origin: germline.
Comment: This sequence change falls in intron 14 of the CDKL5 gene. It does not directly change the encoded amino acid sequence of the CDKL5 protein. This variant is not present in population databases (ExAC no frequency). This variant has not been reported in the literature in individuals with CDKL5-related conditions. Algorithms developed to predict the effect of sequence changes on RNA splicing suggest that this variant may disrupt the consensus splice site, but this prediction has not been confirmed by published transcriptional studies. In summary, the available evidence is currently insufficient to determine the role of this variant in disease. Therefore, it has been classified as a Variant of Uncertain Significance.

NM_001323289.2(CDKL5):c.2153-64_2153-5delinsG

Gene: CDKL5 (cyclin dependent kinase like 5; plus strand). Cytogenetic location: Xp22.13.
Variant type: Indel.
Coding change: c.2153-64_2153-5delinsG on transcript NM_001323289.2 (MANE Select); 64 bases into the intron before coding-DNA position 2153 through 5 bases into the intron before coding-DNA position 2153, the reference bases replaced by G.
Molecular consequence: intron variant.
Genome position (GRCh38, 1-based): chrX:18,613,088-18,613,147, 60 bases replaced. GRCh37 (hg19): chrX:18,631,208-18,631,267.
Other names: c.2153-64_2153-5delinsG (NM_003159.3, NM_001037343.2).
Identifiers: ClinVar variation 971254 (VCV000971254.1), dbSNP rs1926607521, ClinGen allele CA1139667249.